The following is an entry in ClinVar:

NM_001256789.3(CACNA1F):c.3326A>G (p.Tyr1109Cys)

Gene: CACNA1F (calcium voltage-gated channel subunit alpha1 F; minus strand). Cytogenetic location: Xp11.23.
Variant type: single nucleotide variant.
Coding change: c.3326A>G on transcript NM_001256789.3 (MANE Select); coding-DNA position 3326, A replaced by G.
Protein change: p.Tyr1109Cys; replaces tyrosine 1109 with cysteine.
Molecular consequence: missense variant.
Genome position (GRCh38, 1-based): chrX:49,215,454, T>C on the plus strand (A>G on the coding strand, the complement: CACNA1F is on the minus strand). VCF-style: chrX-49215454-T-C. GRCh37 (hg19) VCF-style: chrX-49071914-T-C.
Other names: c.3164A>G, p.Tyr1055Cys (NM_001256790.3); c.3359A>G, p.Tyr1120Cys (NM_005183.4); short protein forms Y1055C, Y1109C, Y1120C.
Identifiers: ClinVar variation 3769708 (VCV003769708.1).

ClinVar aggregate classification (germline): Uncertain significance (1 of 4 stars; one submission).

Submission:

GeneDx
Classification: Uncertain significance. Last evaluated: 2024-09-17. Review status: criteria provided, single submitter. Criteria: GeneDx Variant Classification Process June 2021. Collection method: clinical testing. Allele origin: germline. Affected: yes.
Comment: Not observed at significant frequency in large population cohorts (gnomAD); In silico analysis supports that this missense variant has a deleterious effect on protein structure/function; Has not been previously published as pathogenic or benign to our knowledge